The following is an entry in ClinVar:

NM_018136.5(ASPM):c.1823_1824del (p.Glu608fs)

Gene: ASPM (assembly factor for spindle microtubules; minus strand). Cytogenetic location: 1q31.3.
Variant type: Microsatellite.
Coding change: c.1823_1824del on transcript NM_018136.5 (MANE Select); coding-DNA positions 1823 to 1824, 2 bases deleted (AG; older notation c.1823_1824delAG).
Protein change: p.Glu608fs; shifts the reading frame from glutamic acid 608.
Molecular consequence: frameshift variant.
Genome position (GRCh38, 1-based): chr1:197,142,428-197,142,429, CT deleted on the plus strand (AG on the coding strand, the reverse complement: ASPM is on the minus strand); deleting any 2 consecutive bases within chr1:197,142,428-197,142,431 gives the same sequence; the c. name uses the placement nearest the transcript's 3' end. VCF-style (leftmost placement, unchanged base first): chr1-197142427-GCT-G. GRCh37 (hg19) VCF-style: chr1-197111557-GCT-G.
Other names: c.1823_1824del, p.Glu608fs (NM_001206846.2); short protein forms E608fs.
Identifiers: ClinVar variation 1710439 (VCV001710439.3), dbSNP rs779765020, ClinGen allele CA1310643.

ClinVar aggregate classification (germline): Pathogenic (1 of 4 stars; one submission).

Conditions:
Microcephaly 5, primary, autosomal recessive (MCPH5). Also called: ASPM Primary Microcephaly. Identifiers: Orphanet 2512, MedGen C1837501, MONDO:0012106, OMIM 608716.

Submission:

Greenwood Genetic Center Diagnostic Laboratories, Greenwood Genetic Center
Classification: Pathogenic for Microcephaly 5, primary, autosomal recessive. Last evaluated: 2022-07-19. Review status: criteria provided, single submitter. Criteria: ACMG Guidelines, 2015. Collection method: clinical testing. Allele origin: germline. Affected: yes.
Comment: PVS1, PM2, PM3_Supporting